The following is an entry in ClinVar:

NM_001122630.2(CDKN1C):c.294CGCGGT[1] (p.99AV[2])

Gene: CDKN1C (cyclin dependent kinase inhibitor 1C; minus strand). Cytogenetic location: 11p15.4.
Variant type: Microsatellite.
Coding change: c.294CGCGGT[1] on transcript NM_001122630.2 (MANE Select); one copy of the 6-base unit CGCGGT starting at c.294; the reference has two copies in a row; one copy, 6 bases deleted.
Protein change: p.99AV[2].
Molecular consequence: inframe deletion. On other transcripts: intron variant (1).
Genome position (GRCh38, 1-based): chr11:2,885,152-2,885,157, ACCGCG deleted on the plus strand (CGCGGT on the coding strand, the reverse complement: CDKN1C is on the minus strand); deleting any 6 consecutive bases within chr11:2,885,152-2,885,165 gives the same sequence; the position shown is the placement nearest the transcript's 3' end. VCF-style (leftmost placement, unchanged base first): chr11-2885151-CACCGCG-C. GRCh37 (hg19) VCF-style: chr11-2906381-CACCGCG-C.
Other names: c.327CGCGGT[1], p.110AV[2] (NM_000076.2, NM_001362474.2); c.294CGCGGT[1], p.99AV[2] (NM_001122631.2); c.255+45_255+50del (NM_001362475.2).
Identifiers: ClinVar variation 1972957 (VCV001972957.5), dbSNP rs2494388954, ClinGen allele CA2580615619.

ClinVar aggregate classification (germline): Uncertain significance (1 of 4 stars; one submission).

Conditions:
Beckwith-Wiedemann syndrome (BWS). Also called: Exomphalos macroglossia gigantism syndrome; EMG SYNDROME. Identifiers: Orphanet 116, MedGen C0004903, MONDO:0007534, OMIM 130650.

Submission:

Labcorp Genetics (formerly Invitae), Labcorp
Classification: Uncertain significance for Beckwith-Wiedemann syndrome. Last evaluated: 2022-08-23. Review status: criteria provided, single submitter. Criteria: Invitae Variant Classification Sherloc (09022015). Collection method: clinical testing. Allele origin: germline.
Comment: This variant, c.333_338del, results in the deletion of 2 amino acid(s) of the CDKN1C protein (p.Ala114_Val115del), but otherwise preserves the integrity of the reading frame. This variant is not present in population databases (gnomAD no frequency). This variant has not been reported in the literature in individuals affected with CDKN1C-related conditions. Experimental studies and prediction algorithms are not available or were not evaluated, and the functional significance of this variant is currently unknown. In summary, the available evidence is currently insufficient to determine the role of this variant in disease. Therefore, it has been classified as a Variant of Uncertain Significance.